The following is an entry in ClinVar:

NM_000548.5(TSC2):c.4024C>G (p.Gln1342Glu)

Gene: TSC2 (TSC complex subunit 2; plus strand). Cytogenetic location: 16p13.3.
Variant type: single nucleotide variant.
Coding change: c.4024C>G on transcript NM_000548.5 (MANE Select); coding-DNA position 4024, C replaced by G.
Protein change: p.Gln1342Glu; replaces glutamine 1342 with glutamic acid.
Molecular consequence: missense variant. On other transcripts: non-coding transcript variant (5).
Genome position (GRCh38, 1-based): chr16:2,084,246, C>G. VCF-style: chr16-2084246-C-G. GRCh37 (hg19) VCF-style: chr16-2134247-C-G.
Other names: c.3823C>G, p.Gln1275Glu (NM_001077183.3); c.3955C>G, p.Gln1319Glu (NM_001114382.3); c.3715C>G, p.Gln1239Glu (NM_001318827.2); c.3679C>G, p.Gln1227Glu (NM_001318829.2); c.3292C>G, p.Gln1098Glu (NM_001318831.2); c.3856C>G, p.Gln1286Glu (NM_001318832.2); c.3826C>G, p.Gln1276Glu (NM_001363528.2); c.3892C>G, p.Gln1298Glu (NM_001370404.1); and 26 more; short protein forms Q1119E, Q1238E, Q1270E, Q1271E, Q1282E, Q1305E, Q1076E, Q1118E.
Identifiers: ClinVar variation 4556601 (VCV004556601.1).

ClinVar aggregate classification (germline): Uncertain significance (1 of 4 stars; one submission).

Conditions:
Hereditary cancer-predisposing syndrome. Also called: Tumor predisposition; Hereditary Cancer Syndrome; Hereditary neoplastic syndrome; Neoplastic Syndromes, Hereditary. Identifiers: Orphanet 140162, MedGen C0027672, MeSH D009386, MONDO:0015356.

Submission:

Ambry Genetics
Classification: Uncertain significance for Hereditary cancer-predisposing syndrome. Last evaluated: 2025-09-24. Review status: criteria provided, single submitter. Criteria: Ambry Variant Classification Scheme 2023. Collection method: clinical testing. Allele origin: germline.
Comment: The p.Q1342E variant (also known as c.4024C>G), located in coding exon 33 of the TSC2 gene, results from a C to G substitution at nucleotide position 4024. The glutamine at codon 1342 is replaced by glutamic acid, an amino acid with highly similar properties. This amino acid position is highly conserved in available vertebrate species. In addition, the in silico prediction for this alteration is inconclusive. Based on the available evidence, the clinical significance of this variant remains unclear.